The following is an entry in ClinVar:

NM_001909.5(CTSD):c.497C>T (p.Ala166Val)

Gene: CTSD (cathepsin D; minus strand). Cytogenetic location: 11p15.5.
Variant type: single nucleotide variant.
Coding change: c.497C>T on transcript NM_001909.5 (MANE Select); coding-DNA position 497, C replaced by T.
Protein change: p.Ala166Val; replaces alanine 166 with valine.
Molecular consequence: missense variant.
Genome position (GRCh38, 1-based): chr11:1,757,531, G>A on the plus strand (C>T on the coding strand, the complement: CTSD is on the minus strand). VCF-style: chr11-1757531-G-A. GRCh37 (hg19) VCF-style: chr11-1778761-G-A.
Other names: p.A166V:GCC>GTC; short protein forms A166V.
Identifiers: ClinVar variation 205338 (VCV000205338.5), dbSNP rs796052396, ClinGen allele CA314318.

ClinVar aggregate classification (germline): Conflicting classifications of pathogenicity. Review status: criteria provided, conflicting classifications (1 of 4 stars). 2 submissions from 2 submitters: Uncertain significance (1); Likely benign (1). Last evaluated 2022-06-19.

Conditions:
Neuronal ceroid lipofuscinosis. Also called: Neuronal Ceroid Lipofuscinoses. Identifiers: Orphanet 216, Orphanet 79263, MedGen C0027877, MONDO:0016295. Disease mechanism: loss of function.

Allele frequency attached by ClinVar (database versions not stated): gnomAD exomes below 0.00001.
gnomAD v4.1: 2 of 1,612,252 alleles (0.00012%); highest among the groups gnomAD compares: South Asian, 0.0011%; no homozygotes.

Submissions (2):

Labcorp Genetics (formerly Invitae), Labcorp
Classification: Uncertain significance for Neuronal ceroid lipofuscinosis. Last evaluated: 2022-06-19. Review status: criteria provided, single submitter. Criteria: Invitae Variant Classification Sherloc (09022015). Collection method: clinical testing. Allele origin: germline.
Comment: This variant is present in population databases (rs796052396, gnomAD 0.003%). This sequence change replaces alanine, which is neutral and non-polar, with valine, which is neutral and non-polar, at codon 166 of the CTSD protein (p.Ala166Val). This variant has not been reported in the literature in individuals affected with CTSD-related conditions. ClinVar contains an entry for this variant (Variation ID: 205338). Algorithms developed to predict the effect of missense changes on protein structure and function (SIFT, PolyPhen-2, Align-GVGD) all suggest that this variant is likely to be tolerated. In summary, the available evidence is currently insufficient to determine the role of this variant in disease. Therefore, it has been classified as a Variant of Uncertain Significance.

GeneDx
Classification: Likely benign. Last evaluated: 2013-09-23. Review status: criteria provided, single submitter. Criteria: GeneDx Variant Classification (06012015). Collection method: clinical testing. Allele origin: germline. Affected: yes.
Comment: This variant is considered likely benign or benign based on one or more of the following criteria: it is a conservative change, it occurs at a poorly conserved position in the protein, it is predicted to be benign by multiple in silico algorithms, and/or has population frequency not consistent with disease.